The following is an entry in ClinVar:

ClinVar aggregate classification (germline): Uncertain significance (1 of 4 stars; one submission).

Conditions:
Familial thoracic aortic aneurysm and aortic dissection (TAAD). Also called: Thoracic aortic aneurysms and dissections. Identifiers: Orphanet 91387, MedGen C4707243, MONDO:0019625.
Hereditary cancer-predisposing syndrome. Also called: Neoplastic Syndromes, Hereditary; Tumor predisposition; Hereditary neoplastic syndrome; Hereditary Cancer Syndrome. Identifiers: Orphanet 140162, MedGen C0027672, MeSH D009386, MONDO:0015356.

Submission:

Ambry Genetics
Classification: Uncertain significance for Hereditary cancer-predisposing syndrome; Familial thoracic aortic aneurysm and aortic dissection. Last evaluated: 2026-08-06. Review status: criteria provided, single submitter. Criteria: Ambry Variant Classification Scheme 2023. Collection method: clinical testing. Allele origin: germline.
Comment: The p.S234C variant (also known as c.700A>T), located in coding exon 5 of the SMAD4 gene, results from an A to T substitution at nucleotide position 700. The serine at codon 234 is replaced by cysteine, an amino acid with dissimilar properties. This amino acid position is conserved. In addition, the in silico prediction for this alteration is inconclusive. Based on the available evidence, the clinical significance of this variant remains unclear.

NM_005359.6(SMAD4):c.700A>T (p.Ser234Cys)

Gene: SMAD4 (SMAD family member 4; plus strand). Cytogenetic location: 18q21.2.
Variant type: single nucleotide variant.
Coding change: c.700A>T on transcript NM_005359.6 (MANE Select); coding-DNA position 700, A replaced by T.
Protein change: p.Ser234Cys; replaces serine 234 with cysteine.
Molecular consequence: missense variant. On other transcripts: non-coding transcript variant (2).
Genome position (GRCh38, 1-based): chr18:51,058,157, A>T. VCF-style: chr18-51058157-A-T. GRCh37 (hg19) VCF-style: chr18-48584527-A-T.
Other names: c.700A>T, p.Ser234Cys (NM_001407041.1, NM_001407042.1, NM_001407043.1); short protein forms S234C.
Identifiers: ClinVar variation 5029758 (VCV005029758.1).